The following is an entry in ClinVar:

ClinVar aggregate classification (germline): Uncertain significance (1 of 4 stars; one submission).

Submission:

CeGaT Center for Human Genetics Tuebingen
Classification: Uncertain significance. Last evaluated: 2024-10-01. Review status: criteria provided, single submitter. Criteria: CeGaT Center For Human Genetics Tuebingen Variant Classification Criteria Version 2. Collection method: clinical testing. Allele origin: germline. Affected: yes. Observed: 1 variant allele.
Comment: ATP6V1B2: PM2, PP3

NM_001693.4(ATP6V1B2):c.799C>G (p.Pro267Ala)

Gene: ATP6V1B2 (ATPase H+ transporting V1 subunit B2; plus strand). Cytogenetic location: 8p21.3.
Variant type: single nucleotide variant.
Coding change: c.799C>G on transcript NM_001693.4 (MANE Select); coding-DNA position 799, C replaced by G.
Protein change: p.Pro267Ala; replaces proline 267 with alanine.
Molecular consequence: missense variant.
Genome position (GRCh38, 1-based): chr8:20,212,195, C>G. VCF-style: chr8-20212195-C-G. GRCh37 (hg19) VCF-style: chr8-20069706-C-G.
Other names: short protein forms P267A.
Identifiers: ClinVar variation 3390026 (VCV003390026.14).